The following is an entry in ClinVar:

NM_080425.4(GNAS):c.1453G>A (p.Ala485Thr)

Gene: GNAS (GNAS complex locus; plus strand). Cytogenetic location: 20q13.32.
Variant type: single nucleotide variant.
Coding change: c.1453G>A on transcript NM_080425.4 (MANE Plus Clinical); coding-DNA position 1453, G replaced by A.
Protein change: p.Ala485Thr; replaces alanine 485 with threonine.
Molecular consequence: missense variant. On other transcripts: synonymous variant (2), intron variant (3).
Genome position (GRCh38, 1-based): chr20:58,854,718, G>A. VCF-style: chr20-58854718-G-A. GRCh37 (hg19) VCF-style: chr20-57429773-G-A.
Other names: c.1266G>A, p.Gln422= (NM_001077490.3, NM_001309883.1); c.1453G>A, p.Ala485Thr (NM_001410913.1); c.*42+13832G>A (NM_016592.5); c.43+13832G>A (NM_001410912.1); c.-39+12843G>A (NM_001309861.2); short protein forms A485T.
Identifiers: ClinVar variation 2630558 (VCV002630558.1), dbSNP rs1376158074, ClinGen allele CA409460789.

ClinVar aggregate classification (germline): Uncertain significance (1 of 4 stars; one submission).

Conditions:
GNAS-related disorder. Identifiers: MedGen CN380105.

Allele frequency attached by ClinVar (database versions not stated): gnomAD exomes below 0.00001.
gnomAD v4.1: 1 of 1,534,090 alleles (0.000065%); highest among the groups gnomAD compares: South Asian, 0.0012%; no homozygotes.

Submission:

PreventionGenetics, part of Exact Sciences
Classification: Uncertain significance for GNAS-related condition. Last evaluated: 2023-01-24. Review status: criteria provided, single submitter. Criteria: ACMG Guidelines, 2015. Collection method: clinical testing. Allele origin: germline.
Comment: The GNAS c.1453G>A variant is predicted to result in the amino acid substitution p.Ala485Thr. Please note that in the primary transcript for this gene (NM_000516.7), this variant is pre-coding (c.-37009G>A). To our knowledge, this variant has not been reported in the literature or in a large population database, indicating this variant is rare. Although we suspect that this variant may be benign, at this time, the clinical significance of this variant is uncertain due to the absence of conclusive functional and genetic evidence.